The following is an entry in ClinVar:

ClinVar aggregate classification (germline): Uncertain significance (1 of 4 stars; one submission).

Conditions:
Hereditary cancer-predisposing syndrome. Also called: Neoplastic Syndromes, Hereditary; Tumor predisposition; Hereditary Cancer Syndrome; Hereditary neoplastic syndrome. Identifiers: Orphanet 140162, MedGen C0027672, MeSH D009386, MONDO:0015356.

Submission:

Color Diagnostics, LLC DBA Color Health
Classification: Uncertain significance for Hereditary cancer-predisposing syndrome. Last evaluated: 2024-06-17. Review status: criteria provided, single submitter. Criteria: ACMG Guidelines, 2015. Collection method: clinical testing. Allele origin: germline.
Comment: This missense variant replaces serine with threonine at codon 2114 of the APC protein. Computational prediction suggests that this variant may not impact protein structure and function (internally defined REVEL score threshold <= 0.5, PMID: 27666373). To our knowledge, functional studies have not been reported for this variant. This variant has not been reported in individuals affected with APC-related disorders in the literature. This variant has not been identified in the general population by the Genome Aggregation Database (gnomAD). The available evidence is insufficient to determine the role of this variant in disease conclusively. Therefore, this variant is classified as a Variant of Uncertain Significance.

NM_000038.6(APC):c.6341G>C (p.Ser2114Thr)

Gene: APC (APC regulator of Wnt signaling pathway; plus strand). Cytogenetic location: 5q22.2.
Variant type: single nucleotide variant.
Coding change: c.6341G>C on transcript NM_000038.6 (MANE Select); coding-DNA position 6341, G replaced by C.
Protein change: p.Ser2114Thr; replaces serine 2114 with threonine.
Molecular consequence: missense variant. On other transcripts: non-coding transcript variant (2).
Genome position (GRCh38, 1-based): chr5:112,841,935, G>C. VCF-style: chr5-112841935-G-C. GRCh37 (hg19) VCF-style: chr5-112177632-G-C.
Other names: c.6218G>C, p.Ser2073Thr (NM_001354900.2); c.6164G>C, p.Ser2055Thr (NM_001354901.2, NM_001407453.1); c.6068G>C, p.Ser2023Thr (NM_001354902.2); c.6038G>C, p.Ser2013Thr (NM_001354903.2, NM_001407458.1, NM_001407459.1 and 1 more transcripts); c.5963G>C, p.Ser1988Thr (NM_001354904.2); c.5861G>C, p.Ser1954Thr (NM_001354905.2); c.5492G>C, p.Ser1831Thr (NM_001354906.2, NM_001407470.1); c.6425G>C, p.Ser2142Thr (NM_001407446.1); and 11 more; short protein forms S1730T, S1831T, S1954T, S1985T, S1988T, S2013T, S2023T, S2031T.
Identifiers: ClinVar variation 3893971 (VCV003893971.1).